The following is an entry in ClinVar:

NM_001848.3(COL6A1):c.2067-6A>G

Gene: COL6A1 (collagen type VI alpha 1 chain; plus strand). Cytogenetic location: 21q22.3.
Variant type: single nucleotide variant.
Coding change: c.2067-6A>G on transcript NM_001848.3 (MANE Select); 6 bases into the intron before coding-DNA position 2067, A replaced by G.
Molecular consequence: intron variant.
Genome position (GRCh38, 1-based): chr21:46,002,212, A>G. VCF-style: chr21-46002212-A-G. GRCh37 (hg19) VCF-style: chr21-47422126-A-G.
Identifiers: ClinVar variation 476424 (VCV000476424.14), dbSNP rs113876477, ClinGen allele CA10070766.
Genomic context (GRCh38, chr21:46,002,212, plus strand): 5'-CCCAGGTGGGCTCGGCCCCGCGGCAGGCCTGGCCCCAACCGGCCCTTCCTGCCCTTTGCT[A>G]TGCAGAGCCATCAAGAGCCTGCAGTGGATGGCGGGCGGCACCTTCACGGGGGAGGCCCTG-3'

ClinVar aggregate classification (germline): Likely benign. Review status: criteria provided, single submitter (1 of 4 stars). 2 submissions from 2 submitters: Likely benign (1). 1 of the submissions does not count toward it. Last evaluated 2026-02-02.

Conditions:
COL6A1-related disorder. Also called: COL6A1-related condition.
Bethlem myopathy 1A. Also called: Bethlem Muscular Dystrophy; MYOPATHY, BENIGN CONGENITAL, WITH CONTRACTURES; Bethlem myopathy 1. Identifiers: Orphanet 610, MedGen CN029274, MONDO:0024530, OMIM 158810.

Allele frequency attached by ClinVar (database versions not stated): gnomAD exomes 0.00003 and 0.00005; ExAC 0.00010; ESP Exome Variant Server 0.00016; gnomAD 0.00028 and 0.00031; 1000 Genomes Project 30x 0.00031; TOPMed 0.00032.
gnomAD v4.1: 93 of 1,598,562 alleles (0.0058%); highest among the groups gnomAD compares: African/African-American, 0.096%; no homozygotes.

Submissions (2):

Labcorp Genetics (formerly Invitae), Labcorp
Classification: Likely benign for Bethlem myopathy 1A. Last evaluated: 2026-02-02. Review status: criteria provided, single submitter. Criteria: Invitae Variant Classification Sherloc (09022015). Collection method: clinical testing. Allele origin: germline.

PreventionGenetics, part of Exact Sciences
Classification: Likely benign for COL6A1-related condition. Last evaluated: 2020-01-13. Review status: no assertion criteria provided. Collection method: clinical testing. Allele origin: germline. Not counted in ClinVar's aggregate classification.
Comment: This variant is classified as likely benign based on ACMG/AMP sequence variant interpretation guidelines (Richards et al. 2015 PMID: 25741868, with internal and published modifications).